The following is an entry in ClinVar:

ClinVar aggregate classification (germline): Uncertain significance (1 of 4 stars; one submission).

gnomAD v4.1: 6 of 1,612,718 alleles (0.00037%); highest among the groups gnomAD compares: Admixed American, 0.005%; no homozygotes.

Submission:

Ambry Genetics
Classification: Uncertain significance. Last evaluated: 2024-11-23. Review status: criteria provided, single submitter. Criteria: Ambry Variant Classification Scheme 2023. Collection method: clinical testing. Allele origin: germline.
Comment: The p.S102F variant (also known as c.305C>T), located in coding exon 3 of the RAD51B gene, results from a C to T substitution at nucleotide position 305. The serine at codon 102 is replaced by phenylalanine, an amino acid with highly dissimilar properties. This amino acid position is conserved. In addition, this alteration is predicted to be deleterious by in silico analysis. Based on the available evidence, the clinical significance of this variant remains unclear.

NM_133510.4(RAD51B):c.305C>T (p.Ser102Phe)

Gene: RAD51B (RAD51 paralog B; plus strand). Cytogenetic location: 14q24.1.
Variant type: single nucleotide variant.
Coding change: c.305C>T on transcript NM_133510.4 (MANE Select); coding-DNA position 305, C replaced by T.
Protein change: p.Ser102Phe; replaces serine 102 with phenylalanine.
Molecular consequence: missense variant. On other transcripts: 5 prime UTR variant (1).
Genome position (GRCh38, 1-based): chr14:67,835,186, C>T. VCF-style: chr14-67835186-C-T. GRCh37 (hg19) VCF-style: chr14-68301903-C-T.
Other names: c.305C>T, p.Ser102Phe (NM_001321809.2, NM_001321810.2, NM_001321812.1 and 6 more transcripts); c.191C>T, p.Ser64Phe (NM_001321815.1); c.-151C>T (NM_001321817.2); short protein forms S102F, S64F.
Identifiers: ClinVar variation 3429642 (VCV003429642.1).